The following is an entry in ClinVar:

NC_000019.10:g.(?_32830600)_(32868554_?)del

Gene: SLC7A9 (solute carrier family 7 member 9; minus strand). Cytogenetic location: 19q13.11.
Variant type: Deletion.
Identifiers: ClinVar variation 666217 (VCV000666217.7).

ClinVar aggregate classification (germline): Pathogenic (1 of 4 stars; one submission).

Submission:

Labcorp Genetics (formerly Invitae), Labcorp
Classification: Pathogenic. Last evaluated: 2020-07-26. Review status: criteria provided, single submitter. Criteria: Invitae Variant Classification Sherloc (09022015). Collection method: clinical testing. Allele origin: germline.
Comment: For these reasons, this variant has been classified as Pathogenic. Loss-of-function variants in SLC7A9 are known to be pathogenic (PMID: 11157794). A similar deletion¬†has been observed to be homozygous or in combination with another SLC7A9 variant in individuals affected with cystinuria and in one individual affected with this condition and for whom no second allele was reported (PMID:¬†19782624,¬†14531788). A gross deletion of the genomic region encompassing the full coding sequence of the SLC7A9 gene has been identified. The boundaries of this event are unknown as the deletion extends beyond the assayed region for this gene and therefore may encompass additional genes.

Literature cited by the submitters: PubMed 11157794.